The following is an entry in ClinVar:

ClinVar aggregate classification (germline): Likely benign (1 of 4 stars; one submission).

gnomAD v4.1: 898 of 1,610,702 alleles (0.056%); highest among the groups gnomAD compares: South Asian, 0.93%; 20 homozygotes.

Submission:

Women's Health and Genetics/Laboratory Corporation of America, LabCorp
Classification: Likely benign. Last evaluated: 2025-01-17. Review status: criteria provided, single submitter. Criteria: LabCorp Variant Classification Summary - May 2015. Collection method: clinical testing. Allele origin: germline.
Comment: Variant summary: CEP55 c.556G>A (p.Val186Met) results in a conservative amino acid change located in the TSG101 and ALIX binding domain (IPR022008) of the encoded protein sequence. Three of five in-silico tools predict a benign effect of the variant on protein function. The variant allele was found at a frequency of 0.00056 in 1610702 control chromosomes, predominantly at a frequency of 0.0093 within the South Asian subpopulation in the gnomAD database, including 20 homozygotes. c.556G>A has not been reported in the literature in individuals affected with multinucleated neurons-anhydramnios dysplasia-cerebellar hypoplasia-hydranencephaly syndrome. To our knowledge, no experimental evidence demonstrating an impact on protein function has been reported. The following publication has been ascertained in the context of this evaluation (PMID: 32100459). No submitters have cited clinical-significance assessments for this variant to ClinVar. Based on the evidence outlined above, the variant was classified as likely benign.

Literature cited by the submitters: PubMed 32100459.

NM_018131.5(CEP55):c.556G>A (p.Val186Met)

Gene: CEP55 (centrosomal protein 55; plus strand). Cytogenetic location: 10q23.33.
Variant type: single nucleotide variant.
Coding change: c.556G>A on transcript NM_018131.5 (MANE Select); coding-DNA position 556, G replaced by A.
Protein change: p.Val186Met; replaces valine 186 with methionine.
Molecular consequence: missense variant.
Genome position (GRCh38, 1-based): chr10:93,515,432, G>A. VCF-style: chr10-93515432-G-A. GRCh37 (hg19) VCF-style: chr10-95275189-G-A.
Other names: c.556G>A, p.Val186Met (NM_001127182.2); short protein forms V186M.
Identifiers: ClinVar variation 3769549 (VCV003769549.2).
Genomic context (GRCh38, chr10:93,515,432, plus strand): 5'-TTACTGTTGATTTTCTTTCATCTTCCCATTAAGGCTCTGGAGAAAAATCAGCAGTGGCTC[G>A]TGTATGATCAGCAGCGGGAAGTCTATGTAAAAGGACTTTTAGCAAAGATCTTTGAGTTGG-3'
Protein context (NP_060601.4, residues 176-196): DALEKNQQWL[Val186Met]YDQQREVYVK